The following is an entry in ClinVar:

NM_001376.5(DYNC1H1):c.915A>G (p.Lys305=)

Gene: DYNC1H1 (dynein cytoplasmic 1 heavy chain 1; plus strand). Cytogenetic location: 14q32.31.
Variant type: single nucleotide variant.
Coding change: c.915A>G on transcript NM_001376.5 (MANE Select); coding-DNA position 915, A replaced by G.
Protein change: p.Lys305=; no amino-acid change (lysine 305 retained).
Molecular consequence: synonymous variant.
Genome position (GRCh38, 1-based): chr14:101,980,504, A>G. VCF-style: chr14-101980504-A-G. GRCh37 (hg19) VCF-style: chr14-102446841-A-G.
Identifiers: ClinVar variation 626098 (VCV000626098.7), dbSNP rs1566996726, ClinGen allele CA487965800.

ClinVar aggregate classification (germline): Conflicting classifications of pathogenicity. Review status: criteria provided, conflicting classifications (1 of 4 stars). 3 submissions from 3 submitters: Uncertain significance (2); Likely benign (1). Last evaluated 2025-07-27.

Conditions:
Autosomal dominant childhood-onset proximal spinal muscular atrophy without contractures. Also called: KUGELBERG-WELANDER SYNDROME, AUTOSOMAL DOMINANT; SPINAL MUSCULAR ATROPHY, JUVENILE, PROXIMAL, AUTOSOMAL DOMINANT; Spinal muscular atrophy, lower extremity-predominant 1, AD; SPINAL MUSCULAR ATROPHY, CHILDHOOD, PROXIMAL, AUTOSOMAL DOMINANT. Identifiers: Orphanet 209341, Orphanet 363447, MedGen C5780022, MONDO:0008026, OMIM 158600.
Charcot-Marie-Tooth disease axonal type 2O. Also called: Charcot-Marie-Tooth disease, axonal, type 20; CHARCOT-MARIE-TOOTH NEUROPATHY, AXONAL, TYPE 2O; CHARCOT-MARIE-TOOTH DISEASE, AXONAL, AUTOSOMAL DOMINANT, TYPE 2O; Charcot-Marie-Tooth Neuropathy Type 2O. Identifiers: Orphanet 284232, MedGen C3280220, MONDO:0013644, OMIM 614228.
Cortical dysplasia, complex, with other brain malformations 13. Also called: Intellectual disability, autosomal dominant 13. Identifiers: MedGen C3281202, MONDO:0013805, OMIM 614563.

Allele frequency attached by ClinVar (database versions not stated): gnomAD exomes below 0.00001.
gnomAD v4.1: 2 of 1,614,238 alleles (0.00012%); highest among the groups gnomAD compares: Non-Finnish European, 0.00017%; no homozygotes.

Submissions (3):

Labcorp Genetics (formerly Invitae), Labcorp
Classification: Likely benign for Charcot-Marie-Tooth disease axonal type 2O. Last evaluated: 2025-07-27. Review status: criteria provided, single submitter. Criteria: Invitae Variant Classification Sherloc (09022015). Collection method: clinical testing. Allele origin: germline.

Centre for Mendelian Genomics, University Medical Centre Ljubljana
Classification: Uncertain significance for Charcot-Marie-Tooth disease axonal type 2O. Last evaluated: 2019-02-21. Review status: criteria provided, single submitter. Criteria: ACMG Guidelines, 2015. Collection method: clinical testing. Allele origin: unknown. Affected: yes.
Comment: This variant was classified as: Uncertain significance. The available evidence on this variant's pathogenicity is insufficient or conflicting. The following ACMG criteria were applied in classifying this variant: PM2.

Center for Genomics, Ann and Robert H. Lurie Children's Hospital of Chicago
Classification: Uncertain significance for Charcot-Marie-Tooth disease axonal type 2O; Autosomal dominant childhood-onset proximal spinal muscular atrophy without contractures; Cortical dysplasia, complex, with other brain malformations 13. Review status: criteria provided, single submitter. Criteria: ACMG Guidelines, 2015. Collection method: clinical testing. Allele origin: germline.
Comment: DYNC1H1 NM_001376.4 exon 5 p.Lys305= (c.915A>G): This variant has not been reported in the literature and is not present in large control databases. Evolutionary conservation and computational predictive tools for this variant are limited or unavailable. Of note, this variant is a silent variant and does not change the amino acid, reducing the probability that this variant is disease causing. In summary, data on this variant is insufficient for disease classification. Therefore, the clinical significance of this variant is uncertain.